The following is an entry in ClinVar:

ClinVar aggregate classification (germline): Pathogenic. Review status: criteria provided, multiple submitters, no conflicts (2 of 4 stars). 3 submissions from 3 submitters: Pathogenic (3). Last evaluated 2025-12-18.

Conditions:
Hereditary cancer-predisposing syndrome. Also called: Tumor predisposition; Hereditary neoplastic syndrome; Hereditary Cancer Syndrome; Neoplastic Syndromes, Hereditary. Identifiers: Orphanet 140162, MedGen C0027672, MeSH D009386, MONDO:0015356.
Multiple endocrine neoplasia, type 1 (MEN1). Also called: MEN I; WERMER SYNDROME; Endocrine adenomatosis multiple; MEN 1; MEA I. Identifiers: Orphanet 652, MedGen C0025267, MeSH D018761, MONDO:0007540, OMIM 131100.

Submissions (3):

Ambry Genetics
Classification: Pathogenic for Hereditary cancer-predisposing syndrome. Last evaluated: 2025-12-18. Review status: criteria provided, single submitter. Criteria: Ambry Variant Classification Scheme 2023. Collection method: clinical testing. Allele origin: germline.
Comment: The p.Q141* pathogenic mutation (also known as c.421C>T), located in coding exon 1 of the MEN1 gene, results from a C to T substitution at nucleotide position 421. This changes the amino acid from a glutamine to a stop codon within coding exon 1. This variant was reported in individual(s) with features consistent with multiple endocrine neoplasia type 1 (Shariq OA et al. Surgery, 2022 Jan;171:77-87). This variant is considered to be rare based on population cohorts in the Genome Aggregation Database (gnomAD). This alteration is expected to result in loss of function by premature protein truncation or nonsense-mediated mRNA decay. As such, this alteration is interpreted as a disease-causing mutation.

Labcorp Genetics (formerly Invitae), Labcorp
Classification: Pathogenic for Multiple endocrine neoplasia, type 1. Last evaluated: 2021-09-29. Review status: criteria provided, single submitter. Criteria: Invitae Variant Classification Sherloc (09022015). Collection method: clinical testing. Allele origin: germline.
Comment: ClinVar contains an entry for this variant (Variation ID: 265450). For these reasons, this variant has been classified as Pathogenic. This premature translational stop signal has been observed in individual(s) with multiple endocrine neoplasia 1 (PMID: 20960638). This variant is not present in population databases (ExAC no frequency). This sequence change creates a premature translational stop signal (p.Gln141*) in the MEN1 gene. It is expected to result in an absent or disrupted protein product. Loss-of-function variants in MEN1 are known to be pathogenic (PMID: 12112656, 17853334).

GeneDx
Classification: Pathogenic. Last evaluated: 2016-06-10. Review status: criteria provided, single submitter. Criteria: GeneDx Variant Classification (06012015). Collection method: clinical testing. Allele origin: germline. Affected: yes.
Comment: The Q141X variant in the MEN1 gene has been published previously in association with multiple endocrine neoplasia type 1 in a patient with family history including father and sister with neuroendocrine tumors (Dasouki et al., 2008). This nonsense variant is predicted to cause loss of normal protein function either through protein truncation or nonsense-mediated mRNA decay. It was not observed in approximately 6,500 individuals of European and African American ancestry in the NHLBI Exome Sequencing Project, indicating it is not a common benign variant in these populations.

Literature cited by the submitters: PubMed 34183184 (cited by Ambry Genetics); PubMed 20960638 (cited by Labcorp Genetics (formerly Invitae), Labcorp); PubMed 12112656 (cited by Labcorp Genetics (formerly Invitae), Labcorp); PubMed 17853334 (cited by Labcorp Genetics (formerly Invitae), Labcorp).

NM_001370259.2(MEN1):c.421C>T (p.Gln141Ter)

Gene: MEN1 (menin 1; minus strand). Cytogenetic location: 11q13.1.
Variant type: single nucleotide variant.
Coding change: c.421C>T on transcript NM_001370259.2 (MANE Select); coding-DNA position 421, C replaced by T.
Protein change: p.Gln141Ter; replaces glutamine 141 with a stop codon.
Molecular consequence: nonsense.
Genome position (GRCh38, 1-based): chr11:64,809,689, G>A on the plus strand (C>T on the coding strand, the complement: MEN1 is on the minus strand). VCF-style: chr11-64809689-G-A. GRCh37 (hg19) VCF-style: chr11-64577161-G-A.
Other names: c.421C>T, p.Gln141Ter (NM_000244.4, NM_001370251.2, NM_001370260.2 and 9 more transcripts); short protein forms Q141*.
Identifiers: ClinVar variation 265450 (VCV000265450.10), dbSNP rs886039553, ClinGen allele CA10588534.